The following is an entry in ClinVar:

NM_000093.5(COL5A1):c.67CTG[9] (p.Leu26_Leu28dup)

Gene: COL5A1 (collagen type V alpha 1 chain; plus strand). Cytogenetic location: 9q34.3.
Variant type: Microsatellite.
Coding change: c.67CTG[9] on transcript NM_000093.5 (MANE Select); nine copies in a row of the 3-base unit CTG starting at c.67; the reference has six copies in a row; three copies, 9 bases duplicated; also written c.76_84dup.
Protein change: p.Leu26_Leu28dup.
Molecular consequence: inframe insertion.
Genome position (GRCh38, 1-based): chr9:134,642,263-134,642,271, CTGCTGCTG duplicated; duplicating any 9 consecutive bases within chr9:134,642,253-134,642,271 gives the same sequence; the position shown is the placement nearest the transcript's 3' end. VCF-style (leftmost placement, unchanged base first): chr9-134642252-C-CGCTGCTGCT. GRCh37 (hg19) VCF-style: chr9-137534098-C-CGCTGCTGCT.
Other names: c.67CTG[9], p.Leu26_Leu28dup (NM_001278074.1); c.76_84dup (NM_000093.3).
Identifiers: ClinVar variation 1044029 (VCV001044029.11), dbSNP rs773994971, ClinGen allele CA860886567.

ClinVar aggregate classification (germline): Uncertain significance. Review status: criteria provided, multiple submitters, no conflicts (2 of 4 stars). 2 submissions from 2 submitters: Uncertain significance (2). Last evaluated 2022-12-09.

Conditions:
Ehlers-Danlos syndrome, classic type, 1 (EDSCL1). Also called: EHLERS-DANLOS SYNDROME, GRAVIS TYPE; EHLERS-DANLOS SYNDROME, SEVERE CLASSIC TYPE; EDS I; Ehlers-Danlos Syndrome, Classic Type, COL5A1-Related; Ehlers-Danlos syndrome, type 1. Identifiers: MedGen C0268335, MONDO:0019567, OMIM 130000.

Submissions (2):

GeneDx
Classification: Uncertain significance. Last evaluated: 2022-12-09. Review status: criteria provided, single submitter. Criteria: GeneDx Variant Classification Process June 2021. Collection method: clinical testing. Allele origin: germline. Affected: yes.
Comment: Not observed at significant frequency in large population cohorts (gnomAD); In-frame insertion of 3 amino acids in a non-repeat region; Has not been previously published as pathogenic or benign to our knowledge

Labcorp Genetics (formerly Invitae), Labcorp
Classification: Uncertain significance for Ehlers-Danlos syndrome, classic type, 1. Last evaluated: 2020-10-26. Review status: criteria provided, single submitter. Criteria: Invitae Variant Classification Sherloc (09022015). Collection method: clinical testing. Allele origin: germline.
Comment: In summary, the available evidence is currently insufficient to determine the role of this variant in disease. Therefore, it has been classified as a Variant of Uncertain Significance. Experimental studies and prediction algorithms are not available or were not evaluated, and the functional significance of this variant is currently unknown. This variant has not been reported in the literature in individuals with COL5A1-related conditions. The frequency data for this variant in the population databases is considered unreliable, as metrics indicate insufficient coverage at this position in the ExAC database. This variant, c.76_84dup, results in the insertion of 3 amino acid(s) to the COL5A1 protein (p.Leu26_Leu28dup), but otherwise preserves the integrity of the reading frame.